The following is an entry in ClinVar:

ClinVar aggregate classification (germline): Uncertain significance. Review status: criteria provided, multiple submitters, no conflicts (2 of 4 stars). 2 submissions from 2 submitters: Uncertain significance (2). Last evaluated 2025-11-08.

Allele frequency attached by ClinVar (database versions not stated): gnomAD exomes 0.00001; ExAC 0.00002; gnomAD 0.00003; TOPMed 0.00003; ESP Exome Variant Server 0.00008.
gnomAD v4.1: 23 of 1,557,392 alleles (0.0015%); highest among the groups gnomAD compares: Middle Eastern, 0.084%; no homozygotes.

Submissions (2):

Labcorp Genetics (formerly Invitae), Labcorp
Classification: Uncertain significance. Last evaluated: 2025-11-08. Review status: criteria provided, single submitter. Criteria: Invitae Variant Classification Sherloc (09022015). Collection method: clinical testing. Allele origin: germline.
Comment: This sequence change replaces serine, which is neutral and polar, with asparagine, which is neutral and polar, at codon 187 of the KIF23 protein (p.Ser187Asn). This variant is present in population databases (rs372880878, gnomAD 0.004%). This variant has not been reported in the literature in individuals affected with KIF23-related conditions. ClinVar contains an entry for this variant (Variation ID: 1896615). An algorithm developed to predict the effect of missense changes on protein structure and function outputs the following: PolyPhen-2: "Benign". The asparagine amino acid residue is found in multiple mammalian species, which suggests that this missense change does not adversely affect protein function. In summary, the available evidence is currently insufficient to determine the role of this variant in disease. Therefore, it has been classified as a Variant of Uncertain Significance.

Revvity Omics, Revvity
Classification: Uncertain significance. Last evaluated: 2024-07-17. Review status: criteria provided, single submitter. Criteria: ACMG Guidelines, 2015. Collection method: clinical testing. Allele origin: germline.

NM_001367805.3(KIF23):c.560G>A (p.Ser187Asn)

Gene: KIF23 (kinesin family member 23; plus strand). Cytogenetic location: 15q23.
Variant type: single nucleotide variant.
Coding change: c.560G>A on transcript NM_001367805.3 (MANE Select); coding-DNA position 560, G replaced by A.
Protein change: p.Ser187Asn; replaces serine 187 with asparagine.
Molecular consequence: missense variant. On other transcripts: non-coding transcript variant (2).
Genome position (GRCh38, 1-based): chr15:69,422,432, G>A. VCF-style: chr15-69422432-G-A. GRCh37 (hg19) VCF-style: chr15-69714771-G-A.
Other names: c.230G>A, p.Ser77Asn (NM_001281301.2); c.560G>A, p.Ser187Asn (NM_001367804.2, NM_004856.7, NM_138555.4); short protein forms S187N, S77N.
Identifiers: ClinVar variation 1896615 (VCV001896615.8), dbSNP rs372880878, ClinGen allele CA7634932.